The following is an entry in ClinVar:

NM_006612.6(KIF1C):c.601_604del (p.Lys201fs)

Gene: KIF1C (kinesin family member 1C; plus strand). Cytogenetic location: 17p13.2.
Variant type: Deletion.
Coding change: c.601_604del on transcript NM_006612.6 (MANE Select); coding-DNA positions 601 to 604, 4 bases deleted (AAAG; older notation c.601_604delAAAG).
Protein change: p.Lys201fs; shifts the reading frame from lysine 201.
Molecular consequence: frameshift variant.
Genome position (GRCh38, 1-based): chr17:5,002,635-5,002,638, AAAG deleted. VCF-style (leftmost placement, unchanged base first): chr17-5002634-TAAAG-T. GRCh37 (hg19) VCF-style: chr17-4905929-TAAAG-T.
Other names: short protein forms K201fs.
Identifiers: ClinVar variation 1406903 (VCV001406903.6), dbSNP rs2143313439, ClinGen allele CA2573152988.

ClinVar aggregate classification (germline): Pathogenic (1 of 4 stars; one submission).

Conditions:
Spastic ataxia 2. Also called: Ataxia, spastic, 2, autosomal recessive. Identifiers: Orphanet 397946, MedGen C1969796, MONDO:0012651, OMIM 611302.

Allele frequency attached by ClinVar (database versions not stated): gnomAD exomes below 0.00001.

Submission:

Labcorp Genetics (formerly Invitae), Labcorp
Classification: Pathogenic for Spastic ataxia 2. Last evaluated: 2023-06-30. Review status: criteria provided, single submitter. Criteria: Invitae Variant Classification Sherloc (09022015). Collection method: clinical testing. Allele origin: germline.
Comment: This variant has not been reported in the literature in individuals affected with KIF1C-related conditions. For these reasons, this variant has been classified as Pathogenic. ClinVar contains an entry for this variant (Variation ID: 1406903). This variant is not present in population databases (gnomAD no frequency). This sequence change creates a premature translational stop signal (p.Lys201Hisfs*9) in the KIF1C gene. It is expected to result in an absent or disrupted protein product. Loss-of-function variants in KIF1C are known to be pathogenic (PMID: 24319291, 24482476).

Literature cited by the submitters: PubMed 24319291; PubMed 24482476.